The following is an entry in ClinVar:

ClinVar aggregate classification (germline): Uncertain significance. Review status: criteria provided, multiple submitters, no conflicts (2 of 4 stars). 2 submissions from 2 submitters: Uncertain significance (2). Last evaluated 2026-04-05.

Conditions:
Hereditary cancer-predisposing syndrome. Also called: Neoplastic Syndromes, Hereditary; Tumor predisposition; Hereditary Cancer Syndrome; Hereditary neoplastic syndrome. Identifiers: Orphanet 140162, MedGen C0027672, MeSH D009386, MONDO:0015356.
Tuberous sclerosis 2 (TSC2). Identifiers: Orphanet 805, MedGen C1860707, MONDO:0013199, OMIM 613254.

Allele frequency attached by ClinVar (database versions not stated): gnomAD exomes below 0.00001; TOPMed 0.00001.
gnomAD v4.1: 1 of 1,613,374 alleles (0.000062%); highest among the groups gnomAD compares: Non-Finnish European, 0.000085%; no homozygotes.

Submissions (2):

Ambry Genetics
Classification: Uncertain significance for Hereditary cancer-predisposing syndrome. Last evaluated: 2026-04-05. Review status: criteria provided, single submitter. Criteria: Ambry Variant Classification Scheme 2023. Collection method: clinical testing. Allele origin: germline.
Comment: The c.2355+4G>A intronic variant results from a G to A substitution 4 nucleotides after coding exon 20 in the TSC2 gene. This nucleotide position is not well conserved in available vertebrate species. In silico splice site analysis predicts that this alteration will not have any significant effect on splicing. Based on the available evidence, the clinical significance of this variant remains unclear.

Labcorp Genetics (formerly Invitae), Labcorp
Classification: Uncertain significance for Tuberous sclerosis 2. Last evaluated: 2025-08-04. Review status: criteria provided, single submitter. Criteria: Invitae Variant Classification Sherloc (09022015). Collection method: clinical testing. Allele origin: germline.
Comment: This sequence change falls in intron 21 of the TSC2 gene. It does not directly change the encoded amino acid sequence of the TSC2 protein. It affects a nucleotide within the consensus splice site. This variant is present in population databases (rs375935312, gnomAD 0.0009%). This variant has not been reported in the literature in individuals affected with TSC2-related conditions. ClinVar contains an entry for this variant (Variation ID: 2022805). Variants that disrupt the consensus splice site are a relatively common cause of aberrant splicing (PMID: 17576681, 9536098). Algorithms developed to predict the effect of sequence changes on RNA splicing suggest that this variant is not likely to affect RNA splicing. In summary, the available evidence is currently insufficient to determine the role of this variant in disease. Therefore, it has been classified as a Variant of Uncertain Significance.

Literature cited by the submitters: PubMed 17576681 (cited by Labcorp Genetics (formerly Invitae), Labcorp); PubMed 9536098 (cited by Labcorp Genetics (formerly Invitae), Labcorp).

NM_000548.5(TSC2):c.2355+4G>A

Gene: TSC2 (TSC complex subunit 2; plus strand). Cytogenetic location: 16p13.3.
Variant type: single nucleotide variant.
Coding change: c.2355+4G>A on transcript NM_000548.5 (MANE Select); 4 bases into the intron after coding-DNA position 2355, G replaced by A.
Molecular consequence: intron variant.
Genome position (GRCh38, 1-based): chr16:2,072,987, G>A. VCF-style: chr16-2072987-G-A. GRCh37 (hg19) VCF-style: chr16-2122988-G-A.
Other names: c.2355+4G>A (NM_001114382.3, NM_021055.3, NM_001370405.1 and 4 more transcripts); c.2244+4G>A (NM_001318827.2); c.1755+4G>A (NM_001318831.2); c.2208+4G>A (NM_001318829.2); c.2388+4G>A (NM_001318832.2).
Identifiers: ClinVar variation 2022805 (VCV002022805.5), dbSNP rs375935312, ClinGen allele CA276740084.